The following is an entry in ClinVar:

ClinVar aggregate classification (germline): Benign (1 of 4 stars; one submission).

Allele frequency attached by ClinVar (database versions not stated): gnomAD 0.15711 and 0.15975; gnomAD exomes 0.16429; TOPMed 0.16559; 1000 Genomes Project 0.20148; 1000 Genomes Project 30x 0.20206.

Submission:

GeneDx
Classification: Benign. Last evaluated: 2018-06-14. Review status: criteria provided, single submitter. Criteria: GeneDx Variant Classification (06012015). Collection method: clinical testing. Allele origin: germline. Affected: yes.
Comment: This variant is considered likely benign or benign based on one or more of the following criteria: it is a conservative change, it occurs at a poorly conserved position in the protein, it is predicted to be benign by multiple in silico algorithms, and/or has population frequency not consistent with disease.

NM_001844.5(COL2A1):c.2409+121dup

Gene: COL2A1 (collagen type II alpha 1 chain; minus strand). Cytogenetic location: 12q13.11.
Variant type: Duplication.
Coding change: c.2409+121dup on transcript NM_001844.5 (MANE Select); 121 bases into the intron after coding-DNA position 2409, one base duplicated (A; older notation c.2409+121dupA).
Molecular consequence: intron variant.
Genome position (GRCh38, 1-based): chr12:47,981,655, T duplicated on the plus strand (A on the coding strand, the reverse complement: COL2A1 is on the minus strand). VCF-style (leftmost placement, unchanged base first): chr12-47981654-C-CT. GRCh37 (hg19) VCF-style: chr12-48375437-C-CT.
Other names: c.2202+121dup (NM_033150.3).
Identifiers: ClinVar variation 677869 (VCV000677869.1), dbSNP rs41263865, ClinGen allele CA236523848.